The following is an entry in ClinVar:

NM_005159.5(ACTC1):c.578A>G (p.Lys193Arg)

Genes: ACTC1 (actin alpha cardiac muscle 1; minus strand), GJD2-DT (GJD2 divergent transcript; plus strand). Cytogenetic location: 15q14.
Variant type: single nucleotide variant.
Coding change: c.578A>G on transcript NM_005159.5 (MANE Select); coding-DNA position 578, A replaced by G.
Protein change: p.Lys193Arg; replaces lysine 193 with arginine.
Molecular consequence: missense variant.
Genome position (GRCh38, 1-based): chr15:34,792,446, T>C on the plus strand (A>G on the coding strand, the complement: ACTC1 is on the minus strand). VCF-style: chr15-34792446-T-C. GRCh37 (hg19) VCF-style: chr15-35084647-T-C.
Other names: c.578A>G, p.Lys193Arg (NM_001406482.1, NM_001406483.1); c.443A>G, p.Lys148Arg (NM_001406484.1); c.137A>G, p.Lys46Arg (NM_001406485.1); short protein forms K193R, K46R, K148R.
Identifiers: ClinVar variation 2945285 (VCV002945285.3), dbSNP rs1566967472, ClinGen allele CA391630926.

ClinVar aggregate classification (germline): Uncertain significance (1 of 4 stars; one submission).

Conditions:
Hypertrophic cardiomyopathy 11. Also called: ACTC1-Related Familial Hypertrophic Cardiomyopathy. Identifiers: MedGen C2677506, MONDO:0012799, OMIM 612098.
Dilated cardiomyopathy 1R (CMD1R). Identifiers: Orphanet 154, Orphanet 54260, MedGen C3150681, MONDO:0013261, OMIM 613424.
Atrial septal defect 5 (ASD5). Identifiers: Orphanet 1478, MedGen C2748552, MONDO:0013011, OMIM 612794.

Submission:

Labcorp Genetics (formerly Invitae), Labcorp
Classification: Uncertain significance for Dilated cardiomyopathy 1R; Hypertrophic cardiomyopathy 11; Atrial septal defect 5. Last evaluated: 2023-03-14. Review status: criteria provided, single submitter. Criteria: Invitae Variant Classification Sherloc (09022015). Collection method: clinical testing. Allele origin: germline.
Comment: In summary, the available evidence is currently insufficient to determine the role of this variant in disease. Therefore, it has been classified as a Variant of Uncertain Significance. This variant has not been reported in the literature in individuals affected with ACTC1-related conditions. This variant is present in population databases (no rsID available, gnomAD 0.007%). This sequence change replaces lysine, which is basic and polar, with arginine, which is basic and polar, at codon 193 of the ACTC1 protein (p.Lys193Arg). Advanced modeling of protein sequence and biophysical properties (such as structural, functional, and spatial information, amino acid conservation, physicochemical variation, residue mobility, and thermodynamic stability) performed at Invitae indicates that this missense variant is not expected to disrupt ACTC1 protein function.